The following is an entry in ClinVar:

ClinVar aggregate classification (germline): Uncertain significance. Review status: criteria provided, multiple submitters, no conflicts (2 of 4 stars). 3 submissions from 3 submitters: Uncertain significance (3). Last evaluated 2023-07-19.

Conditions:
Inborn genetic diseases. Identifiers: MedGen C0950123, MeSH D030342.
Hereditary insensitivity to pain with anhidrosis (CIPA). Also called: NEUROPATHY, CONGENITAL SENSORY, WITH ANHIDROSIS; hereditary sensory and autonomic neuropathy type 4; INSENSITIVITY TO PAIN, CONGENITAL, WITH ANHIDROSIS; FAMILIAL DYSAUTONOMIA, TYPE II; HSAN Type IV; NTRK1 Congenital Insensitivity to Pain with Anhidrosis. Identifiers: Orphanet 642, MedGen C0020074, MONDO:0009746, OMIM 256800.

Allele frequency attached by ClinVar (database versions not stated): gnomAD below 0.00001 and 0.00001.
gnomAD v4.1: 11 of 1,613,978 alleles (0.00068%); highest among the groups gnomAD compares: South Asian, 0.012%; no homozygotes.

Submissions (3):

Ambry Genetics
Classification: Uncertain significance for Inborn genetic diseases. Last evaluated: 2023-07-19. Review status: criteria provided, single submitter. Criteria: Ambry Variant Classification Scheme 2023. Collection method: clinical testing. Allele origin: germline.

Genome-Nilou Lab
Classification: Uncertain significance for Hereditary insensitivity to pain with anhidrosis. Last evaluated: 2023-04-11. Review status: criteria provided, single submitter. Criteria: ACMG Guidelines, 2015. Collection method: clinical testing. Allele origin: germline. Affected: no.

Labcorp Genetics (formerly Invitae), Labcorp
Classification: Uncertain significance for Hereditary insensitivity to pain with anhidrosis. Last evaluated: 2021-08-28. Review status: criteria provided, single submitter. Criteria: Invitae Variant Classification Sherloc (09022015). Collection method: clinical testing. Allele origin: germline.
Comment: This sequence change replaces valine with leucine at codon 535 of the NTRK1 protein (p.Val535Leu). The valine residue is highly conserved and there is a small physicochemical difference between valine and leucine. This variant is not present in population databases (ExAC no frequency). This variant has not been reported in the literature in individuals affected with NTRK1-related conditions. Algorithms developed to predict the effect of missense changes on protein structure and function (SIFT, PolyPhen-2, Align-GVGD) all suggest that this variant is likely to be disruptive. In summary, the available evidence is currently insufficient to determine the role of this variant in disease. Therefore, it has been classified as a Variant of Uncertain Significance.

NM_002529.4(NTRK1):c.1621G>T (p.Val541Leu)

Gene: NTRK1 (neurotrophic receptor tyrosine kinase 1; plus strand). Cytogenetic location: 1q23.1.
Variant type: single nucleotide variant.
Coding change: c.1621G>T on transcript NM_002529.4 (MANE Select); coding-DNA position 1621, G replaced by T.
Protein change: p.Val541Leu; replaces valine 541 with leucine.
Molecular consequence: missense variant.
Genome position (GRCh38, 1-based): chr1:156,876,199, G>T. VCF-style: chr1-156876199-G-T. GRCh37 (hg19) VCF-style: chr1-156845991-G-T.
Other names: c.1513G>T, p.Val505Leu (NM_001007792.1); c.1603G>T, p.Val535Leu (NM_001012331.2); short protein forms V535L, V505L, V541L.
Identifiers: ClinVar variation 955477 (VCV000955477.9), dbSNP rs1426132695, ClinGen allele CA342938249.